The following is an entry in ClinVar:

ClinVar aggregate classification (germline): Uncertain significance. Review status: criteria provided, multiple submitters, no conflicts (2 of 4 stars). 2 submissions from 2 submitters: Uncertain significance (2). Last evaluated 2025-09-15.

Conditions:
Hereditary cancer-predisposing syndrome. Also called: Neoplastic Syndromes, Hereditary; Tumor predisposition; Hereditary neoplastic syndrome; Hereditary Cancer Syndrome. Identifiers: Orphanet 140162, MedGen C0027672, MeSH D009386, MONDO:0015356.

Submissions (2):

Labcorp Genetics (formerly Invitae), Labcorp
Classification: Uncertain significance. Last evaluated: 2025-09-15. Review status: criteria provided, single submitter. Criteria: Invitae Variant Classification Sherloc (09022015). Collection method: clinical testing. Allele origin: germline.
Comment: This sequence change replaces glutamine, which is neutral and polar, with proline, which is neutral and non-polar, at codon 401 of the POLE protein (p.Gln401Pro). This variant is not present in population databases (gnomAD no frequency). This variant has not been reported in the literature in individuals affected with POLE-related conditions. ClinVar contains an entry for this variant (Variation ID: 1369401). Invitae Evidence Modeling of protein sequence and biophysical properties (such as structural, functional, and spatial information, amino acid conservation, physicochemical variation, residue mobility, and thermodynamic stability) indicates that this missense variant is not expected to disrupt POLE protein function with a negative predictive value of 80%. In summary, the available evidence is currently insufficient to determine the role of this variant in disease. Therefore, it has been classified as a Variant of Uncertain Significance.

Ambry Genetics
Classification: Uncertain significance for Hereditary cancer-predisposing syndrome. Last evaluated: 2024-09-16. Review status: criteria provided, single submitter. Criteria: Ambry Variant Classification Scheme 2023. Collection method: clinical testing. Allele origin: germline.
Comment: The p.Q401P variant (also known as c.1202A>C), located in coding exon 12 of the POLE gene, results from an A to C substitution at nucleotide position 1202. The glutamine at codon 401 is replaced by proline, an amino acid with similar properties. This amino acid position is conserved. In addition, the in silico prediction for this alteration is inconclusive. Based on the available evidence, the clinical significance of this variant remains unclear.

NM_006231.4(POLE):c.1202A>C (p.Gln401Pro)

Gene: POLE (DNA polymerase epsilon, catalytic subunit; minus strand). Cytogenetic location: 12q24.33.
Variant type: single nucleotide variant.
Coding change: c.1202A>C on transcript NM_006231.4 (MANE Select); coding-DNA position 1202, A replaced by C.
Protein change: p.Gln401Pro; replaces glutamine 401 with proline.
Molecular consequence: missense variant.
Genome position (GRCh38, 1-based): chr12:132,675,422, T>G on the plus strand (A>C on the coding strand, the complement: POLE is on the minus strand). VCF-style: chr12-132675422-T-G. GRCh37 (hg19) VCF-style: chr12-133252008-T-G.
Other names: c.1202A>C (NM_006231.2); short protein forms Q401P.
Identifiers: ClinVar variation 1369401 (VCV001369401.9), dbSNP rs2136008517, ClinGen allele CA387360777.
Genomic context (GRCh38, chr12:132,675,422, plus strand): 5'-CAGCAGTGAGGAGCCATGCTGCTCTGTGGCCCCTACCTGAGGCAGTCCATGTGGATGCAC[T>G]GGGGCGCCTTGTACTCCCCCTGGCTGTCCTTCTGGAAGCCTATCTCCTGCTGCATGCTCA-3'
Protein context (NP_006222.2, residues 391-411): KDSQGEYKAP[Gln401Pro]CIHMDCLRWV